The following is an entry in ClinVar:

NM_203446.3(SYNJ1):c.705+7A>G

Gene: SYNJ1 (synaptojanin 1; minus strand). Cytogenetic location: 21q22.11.
Variant type: single nucleotide variant.
Coding change: c.705+7A>G on transcript NM_203446.3 (MANE Select); 7 bases into the intron after coding-DNA position 705, A replaced by G.
Molecular consequence: intron variant.
Genome position (GRCh38, 1-based): chr21:32,695,050, T>C on the plus strand (A>G on the coding strand, the complement: SYNJ1 is on the minus strand). VCF-style: chr21-32695050-T-C. GRCh37 (hg19) VCF-style: chr21-34067360-T-C.
Other names: p.?; c.822+7A>G (NM_003895.4); c.705+7A>G (NM_001160302.2, NM_001160306.2).
Identifiers: ClinVar variation 478366 (VCV000478366.15), dbSNP rs187016397, ClinGen allele CA10004091.
Genomic context (GRCh38, chr21:32,695,050, plus strand): 5'-TTATTCTAGTATTTTCTGTGCTTCTCCTATAATAAATTAATTAAGTAATATAAAACACTA[T>C]ATATACCTGTTCTGTTTCTACAAAATTGGCAACATGACCATCATCATTTGTTCCCCGGAC-3'

ClinVar aggregate classification (germline): Benign. Review status: criteria provided, multiple submitters, no conflicts (2 of 4 stars). 4 submissions from 4 submitters: Benign (4). Last evaluated 2026-01-28.

Conditions:
Developmental and epileptic encephalopathy, 53. Also called: Epileptic encephalopathy, early infantile, 53. Identifiers: MedGen C4479313, MONDO:0033362, OMIM 617389.
Early-onset Parkinson disease 20. Also called: PARKINSON DISEASE 20, AUTOSOMAL RECESSIVE EARLY-ONSET. Identifiers: Orphanet 391411, MedGen C3809824, MONDO:0014233, OMIM 615530.

Allele frequency attached by ClinVar (database versions not stated): ESP Exome Variant Server 0.00023; gnomAD 0.00040 and 0.00094; TOPMed 0.00060; gnomAD exomes 0.00151 and 0.00277; 1000 Genomes Project 30x 0.00297; ExAC 0.00324; 1000 Genomes Project 0.00379.
gnomAD v4.1: 2,366 of 1,613,046 alleles (0.15%); highest among the groups gnomAD compares: South Asian, 1.9%; 40 homozygotes.

Submissions (4):

Labcorp Genetics (formerly Invitae), Labcorp
Classification: Benign for Developmental and epileptic encephalopathy, 53; Early-onset Parkinson disease 20. Last evaluated: 2026-01-28. Review status: criteria provided, single submitter. Criteria: Invitae Variant Classification Sherloc (09022015). Collection method: clinical testing. Allele origin: germline.

Athena Diagnostics
Classification: Benign. Last evaluated: 2025-09-30. Review status: criteria provided, single submitter. Criteria: Athena Diagnostics Criteria. Collection method: clinical testing. Allele origin: unknown.
Comment: The frequency of this variant in the general population is higher than would generally be expected for pathogenic variants in this gene. Computational tools yielded predictions that this variant is unlikely to have an effect on normal RNA splicing. This nucleotide position exhibits low evolutionary conservation.

Mayo Clinic Laboratories, Mayo Clinic
Classification: Benign. Last evaluated: 2023-04-28. Review status: criteria provided, single submitter. Criteria: ACMG Guidelines, 2015. Collection method: clinical testing. Allele origin: germline. Observed: 3 variant alleles.
Comment: BS1, BS2, BP4, BP7

Breakthrough Genomics
Classification: Benign. Review status: criteria provided, single submitter. Criteria: ACMG Guidelines, 2015. Collection method: not provided. Allele origin: germline. Inheritance: Autosomal recessive inheritance. Affected: yes.

Literature cited by the submitters: PubMed 39455605 (cited by Athena Diagnostics).